The following is an entry in ClinVar:

ClinVar aggregate classification (germline): Uncertain significance (1 of 4 stars; one submission).

Conditions:
Familial Mediterranean fever (FMF). Also called: Periodic peritonitis; Benign paroxysmal peritonitis; POLYSEROSITIS, FAMILIAL PAROXYSMAL; POLYSEROSITIS, RECURRENT. Identifiers: Orphanet 342, MedGen C0031069, MONDO:0018088, OMIM 249100. Disease mechanism: gain of function.

Submission:

Labcorp Genetics (formerly Invitae), Labcorp
Classification: Uncertain significance for Familial Mediterranean fever. Last evaluated: 2022-12-07. Review status: criteria provided, single submitter. Criteria: Invitae Variant Classification Sherloc (09022015). Collection method: clinical testing. Allele origin: germline.
Comment: In summary, the available evidence is currently insufficient to determine the role of this variant in disease. Therefore, it has been classified as a Variant of Uncertain Significance. Experimental studies and prediction algorithms are not available or were not evaluated, and the functional significance of this variant is currently unknown. This variant has not been reported in the literature in individuals affected with MEFV-related conditions. Information on the frequency of this variant in the gnomAD database is not available, as this variant may be reported differently in the database. This sequence change replaces glutamic acid, which is acidic and polar, with lysine, which is basic and polar, at codon 477 of the MEFV protein (p.Glu477Lys).

NM_000243.3(MEFV):c.1428_1429delinsGA (p.Glu477Lys)

Gene: MEFV (MEFV innate immunity regulator, pyrin; minus strand). Cytogenetic location: 16p13.3.
Variant type: Indel.
Coding change: c.1428_1429delinsGA on transcript NM_000243.3 (MANE Select); coding-DNA positions 1428 to 1429, AG replaced by GA.
Protein change: p.Glu477Lys; replaces glutamic acid 477 with lysine.
Molecular consequence: missense variant.
Genome position (GRCh38, 1-based): chr16:3,247,174-3,247,175, CT replaced by TC on the plus strand (AG replaced by GA on the coding strand, the reverse complement: MEFV is on the minus strand). VCF-style: chr16-3247174-CT-TC. GRCh37 (hg19) VCF-style: chr16-3297174-CT-TC.
Other names: c.795_796delinsGA, p.Glu266Lys (NM_001198536.2); short protein forms E266K, E477K.
Identifiers: ClinVar variation 2982146 (VCV002982146.3), dbSNP rs2543145585, ClinGen allele CA2740096864.